The following is an entry in ClinVar:

ClinVar aggregate classification (germline): Pathogenic (1 of 4 stars; one submission).

Conditions:
Androgen resistance syndrome (AIS). Also called: ANDROGEN RECEPTOR DEFICIENCY; DIHYDROTESTOSTERONE RECEPTOR DEFICIENCY; TESTICULAR FEMINIZATION SYNDROME; Androgen insensitivity syndrome due to coactivator deficiency; Androgen insensitivity syndrome; Androgen insensitivity. Identifiers: Orphanet 754, Orphanet 99429, MedGen C0039585, MONDO:0019154, OMIM 300068. Disease mechanism: loss of function.
Kennedy disease (SMAX1). Also called: SPINAL AND BULBAR MUSCULAR ATROPHY, X-LINKED 1; KENNEDY SPINAL AND BULBAR MUSCULAR ATROPHY; Spinal and Bulbar Muscular Atrophy. Identifiers: Orphanet 481, MedGen C1839259, MONDO:0010735, OMIM 313200.

Submission:

Labcorp Genetics (formerly Invitae), Labcorp
Classification: Pathogenic for Kennedy disease; Androgen resistance syndrome. Last evaluated: 2022-01-07. Review status: criteria provided, single submitter. Criteria: Invitae Variant Classification Sherloc (09022015). Collection method: clinical testing. Allele origin: germline.
Comment: For these reasons, this variant has been classified as Pathogenic. This variant has not been reported in the literature in individuals affected with AR-related conditions. This variant is not present in population databases (gnomAD no frequency). This sequence change creates a premature translational stop signal (p.Arg586*) in the AR gene. It is expected to result in an absent or disrupted protein product. Loss-of-function variants in AR are known to be pathogenic (PMID: 19463997).

Literature cited by the submitters: PubMed 19463997.

NM_000044.6(AR):c.1756A>T (p.Arg586Ter)

Gene: AR (androgen receptor; plus strand). Cytogenetic location: Xq12.
Variant type: single nucleotide variant.
Coding change: c.1756A>T on transcript NM_000044.6 (MANE Select); coding-DNA position 1756, A replaced by T.
Protein change: p.Arg586Ter; replaces arginine 586 with a stop codon.
Molecular consequence: nonsense. On other transcripts: intron variant (1).
Genome position (GRCh38, 1-based): chrX:67,643,395, A>T. VCF-style: chrX-67643395-A-T. GRCh37 (hg19) VCF-style: chrX-66863237-A-T.
Other names: c.160A>T, p.Arg54Ter (NM_001011645.3); c.1756A>T, p.Arg586Ter (NM_001348061.1, NM_001348063.1); c.1617-42546A>T (NM_001348064.1); short protein forms R586*, R54*.
Identifiers: ClinVar variation 2077770 (VCV002077770.4), dbSNP rs767711979, ClinGen allele CA413422908.